The following is an entry in ClinVar:

ClinVar aggregate classification (germline): Pathogenic/Likely pathogenic. Review status: criteria provided, multiple submitters, no conflicts (2 of 4 stars). 4 submissions from 4 submitters: Pathogenic (3); Likely pathogenic (1). Last evaluated 2024-03-26.

Conditions:
Hereditary cancer-predisposing syndrome. Also called: Hereditary neoplastic syndrome; Hereditary Cancer Syndrome; Neoplastic Syndromes, Hereditary; Tumor predisposition. Identifiers: Orphanet 140162, MedGen C0027672, MeSH D009386, MONDO:0015356.
Lynch syndrome. Identifiers: Orphanet 144, MedGen C4552100, MONDO:0005835. Disease mechanism: loss of function.
Lynch syndrome 5 (LYNCH5). Also called: Hereditary non-polyposis colorectal cancer, type 5; Colorectal cancer, hereditary nonpolyposis, type 5. Identifiers: Orphanet 144, MedGen C1833477, MONDO:0013710, OMIM 614350. Disease mechanism: loss of function.

Submissions (4):

Ambry Genetics
Classification: Pathogenic for Hereditary cancer-predisposing syndrome. Last evaluated: 2024-03-26. Review status: criteria provided, single submitter. Criteria: Ambry Variant Classification Scheme 2023. Collection method: clinical testing. Allele origin: germline.
Comment: The c.1255_1268del14 pathogenic mutation, located in coding exon 4 of the MSH6 gene, results from a deletion of 14 nucleotides at nucleotide positions 1255 to 1268, causing a translational frameshift with a predicted alternate stop codon (p.Q419Cfs*11). This variant is considered to be rare based on population cohorts in the Genome Aggregation Database (gnomAD). This alteration is expected to result in loss of function by premature protein truncation or nonsense-mediated mRNA decay. As such, this alteration is interpreted as a disease-causing mutation.

Myriad Genetics, Inc.
Classification: Pathogenic for Lynch syndrome 5. Last evaluated: 2023-08-11. Review status: criteria provided, single submitter. Criteria: Myriad Autosomal Dominant, Autosomal Recessive and X-Linked Classification Criteria (2023). Collection method: clinical testing. Allele origin: unknown.
Comment: This variant is considered pathogenic. This variant creates a frameshift predicted to result in premature protein truncation.

Women's Health and Genetics/Laboratory Corporation of America, LabCorp
Classification: Likely pathogenic for Hereditary nonpolyposis colon cancer. Last evaluated: 2016-05-24. Review status: criteria provided, single submitter. Criteria: LabCorp Variant Classification Summary - May 2015. Collection method: clinical testing. Allele origin: germline.
Comment: Variant summary: The MSH6 c.1255_1268delCAGAACTTTGATCT (p.Gln419Cysfs) frameshift variant results in a premature termination codon, predicted to cause a truncated or absent MSH6 protein due to nonsense mediated decay, which are commonly known mechanisms for disease. Truncations downstream of this position have been classified as pathogenic by our laboratory (p.Arg482X, p.Lys545fs). One in silico tool predicts a damaging outcome for this variant. This variant is absent in 121340 control chromosomes. The variant of interest has not, to our knowledge, been reported in affected individuals via publications and/or reputable databases/clinical diagnostic laboratories; nor evaluated for functional impact by in vivo/vitro studies. Taken together, this variant is classified as Probaly Disease Variant.

GeneDx
Classification: Pathogenic. Last evaluated: 2016-02-22. Review status: criteria provided, single submitter. Criteria: GeneDx Variant Classification (06012015). Collection method: clinical testing. Allele origin: germline. Affected: yes.
Comment: This deletion of del14 nucleotides in MSH6 is denoted c.1255_1268del14 at the cDNA level and p.Gln419CysfsX11 (Q419CfsX11) at the protein level. The surrounding sequence is GTCT[del14]TGTC. The deletion causes a frameshift which changes a Glutamine to a Cysteine at codon 419, and creates a premature stop codon at position 11 of the new reading frame. Although this variant has not, to our knowledge, been reported in the literature, it is predicted to cause loss of normal protein function through either protein truncation or nonsense-mediated mRNA decay. Based on the currently available information, we consider this deletion to be pathogenic.

NM_000179.3(MSH6):c.1255_1268del (p.Gln419fs)

Gene: MSH6 (mutS homolog 6; plus strand). Cytogenetic location: 2p16.3.
Variant type: Deletion.
Coding change: c.1255_1268del on transcript NM_000179.3 (MANE Select); coding-DNA positions 1255 to 1268, 14 bases deleted (CAGAACTTTGATCT).
Protein change: p.Gln419fs; shifts the reading frame from glutamine 419.
Molecular consequence: frameshift variant.
Genome position (GRCh38, 1-based): chr2:47,799,238-47,799,251, CAGAACTTTGATCT deleted; deleting any 14 consecutive bases within chr2:47,799,235-47,799,251 gives the same sequence; the c. name uses the placement nearest the transcript's 3' end. VCF-style (leftmost placement, unchanged base first): chr2-47799234-GTCTCAGAACTTTGA-G. GRCh37 (hg19) VCF-style: chr2-48026373-GTCTCAGAACTTTGA-G.
Other names: c.1255_1268delCAGAACTTTGATCT (NM_000179.2); c.865_878del, p.Gln289fs (NM_001281492.2); c.349_362del, p.Gln117fs (NM_001281493.2, NM_001281494.2); short protein forms Q289fs, Q117fs, Q419fs.
Identifiers: ClinVar variation 234842 (VCV000234842.5), dbSNP rs876661251, ClinGen allele CA10577263.